The following is an entry in ClinVar:

NM_001042492.3(NF1):c.578T>G (p.Leu193Arg)

Gene: NF1 (neurofibromin 1; plus strand). Cytogenetic location: 17q11.2.
Variant type: single nucleotide variant.
Coding change: c.578T>G on transcript NM_001042492.3 (MANE Select); coding-DNA position 578, T replaced by G.
Protein change: p.Leu193Arg; replaces leucine 193 with arginine.
Molecular consequence: missense variant.
Genome position (GRCh38, 1-based): chr17:31,169,989, T>G. VCF-style: chr17-31169989-T-G. GRCh37 (hg19) VCF-style: chr17-29497007-T-G.
Other names: c.578T>G, p.Leu193Arg (NM_000267.4, NM_001128147.3); short protein forms L193R.
Identifiers: ClinVar variation 3634485 (VCV003634485.2).

ClinVar aggregate classification (germline): Uncertain significance (1 of 4 stars; one submission).

Conditions:
Neurofibromatosis, type 1 (NF1). Also called: VON RECKLINGHAUSEN DISEASE; Peripheral type neurofibromatosis; NEUROFIBROMATOSIS, TYPE I, SOMATIC; Neurofibromatosis, type I. Identifiers: Orphanet 636, MedGen C0027831, MONDO:0018975, OMIM 162200. Disease mechanism: loss of function.

Submission:

Labcorp Genetics (formerly Invitae), Labcorp
Classification: Uncertain significance for Neurofibromatosis, type 1. Last evaluated: 2024-10-10. Review status: criteria provided, single submitter. Criteria: Invitae Variant Classification Sherloc (09022015). Collection method: clinical testing. Allele origin: germline.
Comment: This sequence change replaces leucine, which is neutral and non-polar, with arginine, which is basic and polar, at codon 193 of the NF1 protein (p.Leu193Arg). This variant is not present in population databases (gnomAD no frequency). This variant has not been reported in the literature in individuals affected with NF1-related conditions. Invitae Evidence Modeling of protein sequence and biophysical properties (such as structural, functional, and spatial information, amino acid conservation, physicochemical variation, residue mobility, and thermodynamic stability) indicates that this missense variant is expected to disrupt NF1 protein function with a positive predictive value of 95%. In summary, the available evidence is currently insufficient to determine the role of this variant in disease. Therefore, it has been classified as a Variant of Uncertain Significance.